The following is an entry in ClinVar:

ClinVar aggregate classification (germline): Uncertain significance (1 of 4 stars; one submission).

Conditions:
Vici syndrome (VICIS). Identifiers: Orphanet 1493, MedGen C1855772, MONDO:0009452, OMIM 242840.

Submission:

Labcorp Genetics (formerly Invitae), Labcorp
Classification: Uncertain significance for Vici syndrome. Last evaluated: 2020-12-05. Review status: criteria provided, single submitter. Criteria: Invitae Variant Classification Sherloc (09022015). Collection method: clinical testing. Allele origin: germline.
Comment: In summary, the available evidence is currently insufficient to determine the role of this variant in disease. Therefore, it has been classified as a Variant of Uncertain Significance. Algorithms developed to predict the effect of missense changes on protein structure and function are either unavailable or do not agree on the potential impact of this missense change (SIFT: "Deleterious"; PolyPhen-2: "Probably Damaging"; Align-GVGD: "Class C0"). This variant has not been reported in the literature in individuals with EPG5-related conditions. This variant is not present in population databases (ExAC no frequency). This sequence change replaces proline with leucine at codon 7 of the EPG5 protein (p.Pro7Leu). The proline residue is moderately conserved and there is a moderate physicochemical difference between proline and leucine.

NM_020964.3(EPG5):c.20C>T (p.Pro7Leu)

Gene: EPG5 (ectopic P-granules 5 autophagy tethering factor; minus strand). Cytogenetic location: 18q21.1.
Variant type: single nucleotide variant.
Coding change: c.20C>T on transcript NM_020964.3 (MANE Select); coding-DNA position 20, C replaced by T.
Protein change: p.Pro7Leu; replaces proline 7 with leucine.
Molecular consequence: missense variant.
Genome position (GRCh38, 1-based): chr18:45,967,220, G>A on the plus strand (C>T on the coding strand, the complement: EPG5 is on the minus strand). VCF-style: chr18-45967220-G-A. GRCh37 (hg19) VCF-style: chr18-43547186-G-A.
Other names: short protein forms P7L.
Identifiers: ClinVar variation 1424321 (VCV001424321.9), dbSNP rs1368802413, ClinGen allele CA402350138.
Genomic context (GRCh38, chr18:45,967,220, plus strand): 5'-GTGGGGGAGATCCTCACCTTTGTTTTAGTCCGGCTGGCCTTGGCCTTGGCCCGGCGCTGG[G>A]GCTTCACCGCCTCGGCCATAGACCCTTCCGCGGCGCCGTCACCGTTTGTTTTTGTCAAAC-3'
Protein context (NP_066015.2, residues 1-17): MAEAVK[Pro7Leu]QRRAKAKASR